The following is an entry in ClinVar:

NM_004006.3(DMD):c.8027+18T>C

Gene: DMD (dystrophin; minus strand). Cytogenetic location: Xp21.1.
Variant type: single nucleotide variant.
Coding change: c.8027+18T>C on transcript NM_004006.3 (MANE Select); 18 bases into the intron after coding-DNA position 8027, T replaced by C.
Molecular consequence: intron variant.
Genome position (GRCh38, 1-based): chrX:31,657,972, A>G on the plus strand (T>C on the coding strand, the complement: DMD is on the minus strand). VCF-style: chrX-31657972-A-G. GRCh37 (hg19) VCF-style: chrX-31676089-A-G.
Other names: c.8003+18T>C (NM_000109.4); c.4004+18T>C (NM_004011.4); c.3995+18T>C (NM_004012.4); c.647+18T>C (NM_004023.3, NM_004020.4, NM_004022.3 and 2 more transcripts); c.8015+18T>C (NM_004009.3); c.7658+18T>C (NM_004010.3).
Identifiers: ClinVar variation 388968 (VCV000388968.10), dbSNP rs376417532, ClinGen allele CA10378164.

ClinVar aggregate classification (germline): Benign/Likely benign. Review status: criteria provided, multiple submitters, no conflicts (2 of 4 stars). 3 submissions from 3 submitters: Benign (2); Likely benign (1). Last evaluated 2026-01-13.

Conditions:
Duchenne muscular dystrophy (DMD). Also called: MUSCULAR DYSTROPHY, PSEUDOHYPERTROPHIC PROGRESSIVE, DUCHENNE TYPE; Duchenne Muscular Dystrophy (DMD). Identifiers: Orphanet 98896, MedGen C0013264, MONDO:0010679, OMIM 310200.

Allele frequency attached by ClinVar (database versions not stated): gnomAD exomes 0.00001 and 0.00007; ExAC 0.00012; gnomAD 0.00024 and 0.00027; TOPMed 0.00025; ESP Exome Variant Server 0.00047.
gnomAD v4.1: 43 of 1,196,984 alleles (0.0036%); highest among the groups gnomAD compares: African/African-American, 0.07%; no homozygotes.

Submissions (3):

Labcorp Genetics (formerly Invitae), Labcorp
Classification: Benign for Duchenne muscular dystrophy. Last evaluated: 2026-01-13. Review status: criteria provided, single submitter. Criteria: Invitae Variant Classification Sherloc (09022015). Collection method: clinical testing. Allele origin: germline.

Women's Health and Genetics/Laboratory Corporation of America, LabCorp
Classification: Benign. Last evaluated: 2024-10-20. Review status: criteria provided, single submitter. Criteria: LabCorp Variant Classification Summary - May 2015. Collection method: clinical testing. Allele origin: germline.

GeneDx
Classification: Likely benign. Last evaluated: 2017-11-29. Review status: criteria provided, single submitter. Criteria: GeneDx Variant Classification (06012015). Collection method: clinical testing. Allele origin: germline. Affected: yes.
Comment: This variant is considered likely benign or benign based on one or more of the following criteria: it is a conservative change, it occurs at a poorly conserved position in the protein, it is predicted to be benign by multiple in silico algorithms, and/or has population frequency not consistent with disease.